The following is an entry in ClinVar:

ClinVar aggregate classification (germline): Uncertain significance. Review status: criteria provided, multiple submitters, no conflicts (2 of 4 stars). 3 submissions from 3 submitters: Uncertain significance (3). Last evaluated 2024-09-05.

Conditions:
Inborn genetic diseases. Identifiers: MedGen C0950123, MeSH D030342.

Allele frequency attached by ClinVar (database versions not stated): ExAC 0.00005; gnomAD exomes 0.00006 and 0.00018; TOPMed 0.00011; gnomAD 0.00012 and 0.00013; ESP Exome Variant Server 0.00022.

Submissions (3):

Blueprint Genetics
Classification: Uncertain significance. Last evaluated: 2024-09-05. Review status: criteria provided, single submitter. Criteria: ACMG Guidelines, 2015. Collection method: clinical testing. Allele origin: germline.

Labcorp Genetics (formerly Invitae), Labcorp
Classification: Uncertain significance. Last evaluated: 2022-08-10. Review status: criteria provided, single submitter. Criteria: Invitae Variant Classification Sherloc (09022015). Collection method: clinical testing. Allele origin: germline.
Comment: This sequence change replaces methionine, which is neutral and non-polar, with valine, which is neutral and non-polar, at codon 128 of the LRIT3 protein (p.Met128Val). This variant is present in population databases (rs374012131, gnomAD 0.01%). This variant has not been reported in the literature in individuals affected with LRIT3-related conditions. ClinVar contains an entry for this variant (Variation ID: 1055633). Algorithms developed to predict the effect of missense changes on protein structure and function are either unavailable or do not agree on the potential impact of this missense change (SIFT: "Deleterious"; PolyPhen-2: "Possibly Damaging"; Align-GVGD: "Class C0"). In summary, the available evidence is currently insufficient to determine the role of this variant in disease. Therefore, it has been classified as a Variant of Uncertain Significance.

Ambry Genetics
Classification: Uncertain significance for Inborn genetic diseases. Last evaluated: 2021-09-01. Review status: criteria provided, single submitter. Criteria: Ambry Variant Classification Scheme 2023. Collection method: clinical testing. Allele origin: germline.

NM_198506.5(LRIT3):c.382A>G (p.Met128Val)

Gene: LRIT3 (leucine rich repeat, Ig-like and transmembrane domains 3; plus strand). Cytogenetic location: 4q25.
Variant type: single nucleotide variant.
Coding change: c.382A>G on transcript NM_198506.5 (MANE Select); coding-DNA position 382, A replaced by G.
Protein change: p.Met128Val; replaces methionine 128 with valine.
Molecular consequence: missense variant.
Genome position (GRCh38, 1-based): chr4:109,851,769, A>G. VCF-style: chr4-109851769-A-G. GRCh37 (hg19) VCF-style: chr4-110772925-A-G.
Other names: c.247A>G (NM_198506.2); short protein forms M128V.
Identifiers: ClinVar variation 1055633 (VCV001055633.5), dbSNP rs374012131, ClinGen allele CA3042984.